The following is an entry in ClinVar:

NM_001252024.2(TRPM1):c.1301C>A (p.Ala434Asp)

Gene: TRPM1 (transient receptor potential cation channel subfamily M member 1; minus strand). Cytogenetic location: 15q13.3.
Variant type: single nucleotide variant.
Coding change: c.1301C>A on transcript NM_001252024.2 (MANE Select); coding-DNA position 1301, C replaced by A.
Protein change: p.Ala434Asp; replaces alanine 434 with aspartic acid.
Molecular consequence: missense variant.
Genome position (GRCh38, 1-based): chr15:31,050,545, G>T on the plus strand (C>A on the coding strand, the complement: TRPM1 is on the minus strand). VCF-style: chr15-31050545-G-T. GRCh37 (hg19) VCF-style: chr15-31342748-G-T.
Other names: c.1352C>A, p.Ala451Asp (NM_001252020.2); c.1235C>A, p.Ala412Asp (NM_002420.6); short protein forms A412D, A434D, A451D.
Identifiers: ClinVar variation 1038572 (VCV001038572.8), dbSNP rs2033919441, ClinGen allele CA391518542.
Genomic context (GRCh38, chr15:31,050,545, plus strand): 5'-TTCCCTTTTCCTCTTCCTCCCTTGGTGGTGGCCATGGGTGGCTTCTTCTCCTTCTCCGTG[G>T]CTTTGCTGTCCGTCGGGGGTGCCAGGCTTCCCAGGGGCTGCAGTCCACAGCAATCAGAGT-3'
Protein context (NP_001238953.1, residues 424-444): GSLAPPTDSK[Ala434Asp]TEKEKKPPMA

ClinVar aggregate classification (germline): Uncertain significance (1 of 4 stars; one submission).

Allele frequency attached by ClinVar (database versions not stated): gnomAD exomes 0.00002.
gnomAD v4.1: 11 of 1,613,974 alleles (0.00068%); highest among the groups gnomAD compares: East Asian, 0.025%; no homozygotes.

Submission:

Labcorp Genetics (formerly Invitae), Labcorp
Classification: Uncertain significance. Last evaluated: 2020-04-11. Review status: criteria provided, single submitter. Criteria: Invitae Variant Classification Sherloc (09022015). Collection method: clinical testing. Allele origin: germline.
Comment: In summary, the available evidence is currently insufficient to determine the role of this variant in disease. Therefore, it has been classified as a Variant of Uncertain Significance. Algorithms developed to predict the effect of missense changes on protein structure and function are either unavailable or do not agree on the potential impact of this missense change (SIFT: "Deleterious"; PolyPhen-2: "Benign"; Align-GVGD: "Class C0"). This variant has not been reported in the literature in individuals with TRPM1-related conditions. This sequence change replaces alanine with aspartic acid at codon 412 of the TRPM1 protein (p.Ala412Asp). The alanine residue is weakly conserved and there is a moderate physicochemical difference between alanine and aspartic acid. This variant is not present in population databases (ExAC no frequency).